The following is an entry in ClinVar:

ClinVar aggregate classification (germline): Pathogenic/Likely pathogenic. Review status: criteria provided, multiple submitters, no conflicts (2 of 4 stars). 9 submissions from 9 submitters: Pathogenic (4); Likely pathogenic (3). 2 of the submissions do not count toward it. Last evaluated 2026-01-19.

Conditions:
BTD-related disorder. Also called: BTD-related condition.
Biotinidase deficiency. Also called: Biotin deficiency; BTD deficiency; Late-onset biotin-responsive multiple carboxylase deficiency. Identifiers: Orphanet 79241, MedGen C0220754, MONDO:0009665, OMIM 253260.

Allele frequency attached by ClinVar (database versions not stated): TOPMed 0.00004; gnomAD 0.00001; gnomAD exomes 0.00003; ExAC 0.00004.
gnomAD v4.1: 62 of 1,613,226 alleles (0.0038%); highest among the groups gnomAD compares: Non-Finnish European, 0.0049%; no homozygotes.

Submissions (9):

Labcorp Genetics (formerly Invitae), Labcorp
Classification: Pathogenic for Biotinidase deficiency. Last evaluated: 2026-01-19. Review status: criteria provided, single submitter. Criteria: Invitae Variant Classification Sherloc (09022015). Collection method: clinical testing. Allele origin: germline.
Comment: This sequence change replaces glycine, which is neutral and non-polar, with serine, which is neutral and polar, at codon 34 of the BTD protein (p.Gly34Ser). RNA analysis indicates that this missense change induces altered splicing and likely results in the loss of 19 amino acid residue(s), but is expected to preserve the integrity of the reading-frame. This variant is present in population databases (rs119103232, gnomAD 0.01%). This missense change has been observed in individual(s) with biotinidase deficiency (PMID: 9158148, 21752405, 25174816, 31035122). In at least one individual the data is consistent with being in trans (on the opposite chromosome) from a pathogenic variant. ClinVar contains an entry for this variant (Variation ID: 1899). An algorithm developed to predict the effect of missense changes on protein structure and function outputs the following: PolyPhen-2: "Benign". The serine amino acid residue is found in multiple mammalian species, which suggests that this missense change does not adversely affect protein function. Studies have shown that this missense change results in the activation of a cryptic splice site in exon 2 (PMID: 9158148). For these reasons, this variant has been classified as Pathogenic.

Natera, Inc.
Classification: Pathogenic for Biotinidase deficiency. Last evaluated: 2025-10-31. Review status: criteria provided, single submitter. Criteria: Natera Variant Classification Schema (03/2026). Collection method: clinical testing. Allele origin: germline.
Comment: The c.40G>A variant in BTD is a missense variant predicted to cause substitution of glycine to serine at amino acid 16. This variant is rare in the general population with a frequency below the threshold expected for the associated phenotype(s). This variant has been observed in one or more individuals affected with the associated recessive disease, as either homozygous or compound heterozygous with a second variant (PMID: 9158148, 15060693, 31035122, 10801053, 38141137, 38299772, 34107619, 35167647). Functional studies show that this variant may disrupt protein function (PMID: 9158148). Given the available evidence, this variant is classified as Pathogenic.

Fulgent Genetics
Classification: Likely pathogenic for Biotinidase deficiency. Last evaluated: 2024-06-12. Review status: criteria provided, single submitter. Criteria: ACMG Guidelines, 2015. Collection method: clinical testing. Allele origin: germline.

Genomic Research Center, Shahid Beheshti University of Medical Sciences
Classification: Pathogenic for Biotinidase deficiency. Last evaluated: 2024-05-11. Review status: criteria provided, single submitter. Criteria: ACMG Guidelines, 2015. Collection method: clinical testing. Allele origin: inherited. Affected: no. Observed: 1 variant allele.

Mendelics
Classification: Likely pathogenic for Biotinidase deficiency. Last evaluated: 2019-05-28. Review status: criteria provided, single submitter. Criteria: Mendelics Assertion Criteria 2017. Collection method: clinical testing. Allele origin: unknown.

Kasturba Medical College, Manipal, Kasturba Medical College, Manipal, Manipal Academy of Higher Education, Manipal, India
Classification: Likely pathogenic for Biotinidase deficiency. Review status: criteria provided, single submitter. Criteria: ACMG Guidelines, 2015. Collection method: clinical testing. Allele origin: inherited. Inheritance: Autosomal recessive inheritance. Affected: yes.

Neuberg Centre For Genomic Medicine, NCGM
Classification: Pathogenic for Biotinidase deficiency. Review status: criteria provided, single submitter. Criteria: ACMG Guidelines, 2015. Collection method: clinical testing. Allele origin: germline. Inheritance: Autosomal recessive inheritance. Affected: yes.
Comment: The missense variant c.40G>A (p.Gly14Ser) in BTD gene has been observed to be homozygous or in combination with another BTD variant in several individuals affected with biotinidase deficiency (Borsatto T et al., 2017). Experimental studies have shown that this missense variant disrupts mRNA splicing (Pomponio et al., 1997). This variant has allele frequency 0.002% in the gnomAD and novel in 1000 genome database. It has been submitted to ClinVar with varying interpretations: Pathogenic/ Likely Pathogenic/ Uncertain Significance. The amino acid Gly at position 14 is changed to a Ser changing protein sequence and it might alter its composition and physico-chemical properties. The amino acid change p.Gly14Ser in BTD is predicted as conserved by PhyloP across 100 vertebrates. For these reasons, this variant has been classified as Pathogenic.

PreventionGenetics, part of Exact Sciences
Classification: Pathogenic for BTD-related condition. Last evaluated: 2024-08-21. Review status: no assertion criteria provided. Collection method: clinical testing. Allele origin: germline. Not counted in ClinVar's aggregate classification.
Comment: The BTD c.100G>A variant is predicted to result in the amino acid substitution p.Gly34Ser. This variant has been reported in both the homozygous and heterozygous states in several unrelated individuals diagnosed with biotinidase deficiency (Pomponio et al. 1997. PubMed ID: 9158148; Milánkovics et al. 2010. PubMed ID: 20549359; Borsatto et al. 2014. PubMed ID: 25174816). The c.100G>A variant is predicted to result in a cryptic splice site within exon 2 of BTD, and has been shown experimentally to lead to aberrant splicing (Pomponio et al. 1997. PubMed ID: 9158148). This variant is reported in 0.012% of alleles in individuals of African descent in gnomAD. This variant is interpreted as pathogenic.

OMIM
Classification: Pathogenic for BIOTINIDASE DEFICIENCY. Last evaluated: 1997-05-01. Review status: no assertion criteria provided. Collection method: literature only. Allele origin: germline. Not counted in ClinVar's aggregate classification.

Literature cited by the submitters: PubMed 9158148 (cited by 3 submitters); PubMed 21752405 (cited by Labcorp Genetics (formerly Invitae), Labcorp); PubMed 25174816 (cited by Labcorp Genetics (formerly Invitae), Labcorp); PubMed 31035122 (cited by Labcorp Genetics (formerly Invitae), Labcorp and Natera, Inc.); PubMed 15060693 (cited by Natera, Inc.); PubMed 10801053 (cited by Natera, Inc.); PubMed 38141137 (cited by Natera, Inc.); PubMed 38299772 (cited by Natera, Inc.); PubMed 34107619 (cited by Natera, Inc.); PubMed 35167647 (cited by Natera, Inc.).

NM_001370658.1(BTD):c.40G>A (p.Gly14Ser)

Gene: BTD (biotinidase; plus strand). Cytogenetic location: 3p25.1.
Variant type: single nucleotide variant.
Coding change: c.40G>A on transcript NM_001370658.1 (MANE Select); coding-DNA position 40, G replaced by A.
Protein change: p.Gly14Ser; replaces glycine 14 with serine.
Molecular consequence: missense variant.
Genome position (GRCh38, 1-based): chr3:15,635,479, G>A. VCF-style: chr3-15635479-G-A. GRCh37 (hg19) VCF-style: chr3-15676986-G-A.
Other names: G34S; c.100G>A, p.Gly34Ser (NM_000060.4); c.40G>A, p.Gly14Ser (NM_001281725.3, NM_001281726.3, NM_001323582.2 and 37 more transcripts); short protein forms G14S.
Identifiers: ClinVar variation 1899 (VCV000001899.27), dbSNP rs119103232, ClinGen allele CA278010.
Genomic context (GRCh38, chr3:15,635,479, plus strand): 5'-TCCAGATTTGTGGTCTGCATTATGTCTGGAGCCAGAAGTAAGCTTGCTCTTTTCCTCTGC[G>A]GCTGTTACGTGGTTGCCCTGGGAGCCCACACCGGGGAGGAGAGCGTGGCTGACCATCACG-3'
Protein context (NP_001357587.1, residues 4-24): ARSKLALFLC[Gly14Ser]CYVVALGAHT